The following is an entry in ClinVar:

ClinVar aggregate classification (germline): Uncertain significance. Review status: criteria provided, multiple submitters, no conflicts (2 of 4 stars). 3 submissions from 3 submitters: Uncertain significance (3). Last evaluated 2026-08-18.

Conditions:
KIDINS220-related disorder. Also called: KIDINS220-related condition.
Inborn genetic diseases. Identifiers: MedGen C0950123, MeSH D030342.

Allele frequency attached by ClinVar (database versions not stated): ExAC 0.00001; gnomAD 0.00001; gnomAD exomes 0.00001; TOPMed 0.00004; ESP Exome Variant Server 0.00008.
gnomAD v4.1: 23 of 1,613,786 alleles (0.0014%); highest among the groups gnomAD compares: East Asian, 0.016%; no homozygotes.

Submissions (3):

PreventionGenetics, part of Exact Sciences
Classification: Uncertain significance for KIDINS220-related condition. Last evaluated: 2026-08-18. Review status: criteria provided, single submitter. Criteria: ACMG Guidelines, 2015. Collection method: clinical testing. Allele origin: germline.
Comment: The KIDINS220 c.1556C>T variant is predicted to result in the amino acid substitution p.Thr519Met. This variant has been reported in the compound heterozygous state in an individual with spastic paraplegia, intellectual disability, nystagmus, and obesity (SINO) syndrome (Yang et al. 2024. PubMed ID: 39296002). This variant is reported in 0.0058% of alleles in individuals of Latino descent in gnomAD. At this time, the clinical significance of this variant is uncertain due to the absence of conclusive functional and genetic evidence.

Ambry Genetics
Classification: Uncertain significance for Inborn genetic diseases. Last evaluated: 2023-12-22. Review status: criteria provided, single submitter. Criteria: Ambry Variant Classification Scheme 2023. Collection method: clinical testing. Allele origin: germline.

Revvity Omics, Revvity
Classification: Uncertain significance. Last evaluated: 2023-11-16. Review status: criteria provided, single submitter. Criteria: ACMG Guidelines, 2015. Collection method: clinical testing. Allele origin: germline.

NM_020738.4(KIDINS220):c.1556C>T (p.Thr519Met)

Gene: KIDINS220 (kinase D interacting substrate 220; minus strand). Cytogenetic location: 2p25.1.
Variant type: single nucleotide variant.
Coding change: c.1556C>T on transcript NM_020738.4 (MANE Select); coding-DNA position 1556, C replaced by T.
Protein change: p.Thr519Met; replaces threonine 519 with methionine.
Molecular consequence: missense variant. On other transcripts: non-coding transcript variant (2).
Genome position (GRCh38, 1-based): chr2:8,789,945, G>A on the plus strand (C>T on the coding strand, the complement: KIDINS220 is on the minus strand). VCF-style: chr2-8789945-G-A. GRCh37 (hg19) VCF-style: chr2-8930075-G-A.
Other names: c.1559C>T, p.Thr520Met (NM_001348729.2, NM_001348731.2, NM_001348734.2 and 3 more transcripts); c.1556C>T, p.Thr519Met (NM_001348732.2, NM_001348735.2, NM_001348738.2 and 3 more transcripts); c.1430C>T, p.Thr477Met (NM_001348736.2); c.1556C>T (NM_020738.2); short protein forms T477M, T519M, T520M.
Identifiers: ClinVar variation 2689305 (VCV002689305.6), dbSNP rs376485014, ClinGen allele CA1520159.